The following is an entry in ClinVar:

ClinVar aggregate classification (germline): Uncertain significance (1 of 4 stars; one submission).

gnomAD v4.1: 1 of 1,613,726 alleles (0.000062%); highest among the groups gnomAD compares: Non-Finnish European, 0.000085%; no homozygotes.

Submission:

GeneDx
Classification: Uncertain significance. Last evaluated: 2025-06-13. Review status: criteria provided, single submitter. Criteria: GeneDx Variant Classification Process June 2021. Collection method: clinical testing. Allele origin: germline. Affected: yes.
Comment: Not observed at significant frequency in large population cohorts (gnomAD); In silico analysis suggests that this missense variant does not alter protein structure/function; Has not been previously published as pathogenic or benign to our knowledge

NM_003482.4(KMT2D):c.11062G>A (p.Gly3688Arg)

Gene: KMT2D (lysine methyltransferase 2D; minus strand). Cytogenetic location: 12q13.12.
Variant type: single nucleotide variant.
Coding change: c.11062G>A on transcript NM_003482.4 (MANE Select); coding-DNA position 11062, G replaced by A.
Protein change: p.Gly3688Arg; replaces glycine 3688 with arginine.
Molecular consequence: missense variant.
Genome position (GRCh38, 1-based): chr12:49,033,643, C>T on the plus strand (G>A on the coding strand, the complement: KMT2D is on the minus strand). VCF-style: chr12-49033643-C-T. GRCh37 (hg19) VCF-style: chr12-49427426-C-T.
Other names: short protein forms G3688R.
Identifiers: ClinVar variation 4537786 (VCV004537786.1).
Genomic context (GRCh38, chr12:49,033,643, plus strand): 5'-TTCGAAGAGCAAGGTTGCCAGGGAAGAAGCCCCCTGAAGGGCCAGCCAGGGATCCAGCCC[C>T]ACCAGAATGTTGCTGTTGCTGCTGTTGGGCCAGAGCTGTATTAAGGAAGGGGCCACCAGG-3'
Protein context (NP_003473.3, residues 3678-3698): AQQQQQQHSG[Gly3688Arg]AGSLAGPSGG